The following is an entry in ClinVar:

ClinVar aggregate classification (germline): Uncertain significance. Review status: criteria provided, multiple submitters, no conflicts (2 of 4 stars). 2 submissions from 2 submitters: Uncertain significance (2). Last evaluated 2025-05-13.

Conditions:
Mitochondrial complex II deficiency, nuclear type 1. Also called: SUCCINATE CoQ REDUCTASE DEFICIENCY. Identifiers: Orphanet 3208, MedGen C5700310, MONDO:0100294, OMIM 252011.
Pheochromocytoma/paraganglioma syndrome 5. Also called: Paragangliomas 5; SDHA-Related Hereditary Paraganglioma-Pheochromocytoma Syndrome. Identifiers: Orphanet 29072, MedGen C3279992, MONDO:0013602, OMIM 614165.
Hereditary cancer-predisposing syndrome. Also called: Hereditary Cancer Syndrome; Hereditary neoplastic syndrome; Neoplastic Syndromes, Hereditary; Tumor predisposition. Identifiers: Orphanet 140162, MedGen C0027672, MeSH D009386, MONDO:0015356.

Submissions (2):

Labcorp Genetics (formerly Invitae), Labcorp
Classification: Uncertain significance for Pheochromocytoma/paraganglioma syndrome 5; Mitochondrial complex II deficiency, nuclear type 1. Last evaluated: 2025-05-13. Review status: criteria provided, single submitter. Criteria: Invitae Variant Classification Sherloc (09022015). Collection method: clinical testing. Allele origin: germline.
Comment: This sequence change replaces leucine, which is neutral and non-polar, with valine, which is neutral and non-polar, at codon 111 of the SDHA protein (p.Leu111Val). This variant is not present in population databases (gnomAD no frequency). This variant has not been reported in the literature in individuals affected with SDHA-related conditions. ClinVar contains an entry for this variant (Variation ID: 1730179). Invitae Evidence Modeling of protein sequence and biophysical properties (such as structural, functional, and spatial information, amino acid conservation, physicochemical variation, residue mobility, and thermodynamic stability) indicates that this missense variant is not expected to disrupt SDHA protein function with a negative predictive value of 95%. In summary, the available evidence is currently insufficient to determine the role of this variant in disease. Therefore, it has been classified as a Variant of Uncertain Significance.

Ambry Genetics
Classification: Uncertain significance for Hereditary cancer-predisposing syndrome. Last evaluated: 2024-11-20. Review status: criteria provided, single submitter. Criteria: Ambry Variant Classification Scheme 2023. Collection method: clinical testing. Allele origin: germline.
Comment: The p.L111V variant (also known as c.331C>G), located in coding exon 4 of the SDHA gene, results from a C to G substitution at nucleotide position 331. The leucine at codon 111 is replaced by valine, an amino acid with highly similar properties. This amino acid position is highly conserved in available vertebrate species. In addition, the in silico prediction for this alteration is inconclusive. Based on the available evidence, the clinical significance of this variant remains unclear.

NM_004168.4(SDHA):c.331C>G (p.Leu111Val)

Gene: SDHA (succinate dehydrogenase complex flavoprotein subunit A; plus strand). Cytogenetic location: 5p15.33.
Variant type: single nucleotide variant.
Coding change: c.331C>G on transcript NM_004168.4 (MANE Select); coding-DNA position 331, C replaced by G.
Protein change: p.Leu111Val; replaces leucine 111 with valine.
Molecular consequence: missense variant. On other transcripts: intron variant (1).
Genome position (GRCh38, 1-based): chr5:225,437, C>G. VCF-style: chr5-225437-C-G. GRCh37 (hg19) VCF-style: chr5-225552-C-G.
Other names: c.331C>G, p.Leu111Val (NM_001330758.2); c.313-446C>G (NM_001294332.2); short protein forms L111V.
Identifiers: ClinVar variation 1730179 (VCV001730179.4), dbSNP rs765884036, ClinGen allele CA359009216.
Genomic context (GRCh38, chr5:225,437, plus strand): 5'-CGCTCCTGTTTGTGGCTTGTAAGGAGTGGTTGGTGTTTCCAGGGAGGAATCAATGCTGCT[C>G]TGGGGAACATGGAGGAGGACAACTGGAGGTGGCATTTCTACGACACCGTGAAGGGCTCCG-3'
Protein context (NP_004159.2, residues 101-121): VAAQGGINAA[Leu111Val]GNMEEDNWRW